The following is an entry in ClinVar:

NM_001374353.1(GLI2):c.790C>T (p.Arg264Ter)

Gene: GLI2 (GLI family zinc finger 2; plus strand). Cytogenetic location: 2q14.2.
Variant type: single nucleotide variant.
Coding change: c.790C>T on transcript NM_001374353.1 (MANE Select); coding-DNA position 790, C replaced by T.
Protein change: p.Arg264Ter; replaces arginine 264 with a stop codon.
Molecular consequence: nonsense.
Genome position (GRCh38, 1-based): chr2:120,968,860, C>T. VCF-style: chr2-120968860-C-T. GRCh37 (hg19) VCF-style: chr2-121726436-C-T.
Other names: c.790C>T, p.Arg264Ter (NM_001371271.1, NM_005270.5); c.415C>T, p.Arg139Ter (NM_001374354.1); short protein forms R264*, R139*.
Identifiers: ClinVar variation 235076 (VCV000235076.6), dbSNP rs876661324, ClinGen allele CA10581209.
Genomic context (GRCh38, chr2:120,968,860, plus strand): 5'-GACCTGCAGCGGATGATCCGCACCTCACCCAACTCGCTAGTGGCCTACATCAACAACTCC[C>T]GAAGCAGCTCGGCGGCCAGCGGTTCCTACGGGCATCTGTCAGCGGGTGCCCTCAGGTGAG-3'

ClinVar aggregate classification (germline): Pathogenic. Review status: criteria provided, multiple submitters, no conflicts (2 of 4 stars). 3 submissions from 3 submitters: Pathogenic (2). 1 of the submissions does not count toward it. Last evaluated 2026-09-25.

Conditions:
Holoprosencephaly 9 (HPE9). Also called: HOLOPROSENCEPHALY WITH MICROPHTHALMIA AND FIRST BRANCHIAL ARCH ANOMALIES; PITUITARY ANOMALIES WITH HOLOPROSENCEPHALY-LIKE FEATURES. Identifiers: Orphanet 2162, MedGen C1835819, MONDO:0012563, OMIM 610829.
Postaxial polydactyly-anterior pituitary anomalies-facial dysmorphism syndrome. Also called: Culler-Jones syndrome. Identifiers: Orphanet 420584, MedGen C4014479, MONDO:0014369, OMIM 615849.
Microform holoprosencephaly. Identifiers: Orphanet 280200, MedGen C5393309, MONDO:0017219.

Allele frequency attached by ClinVar (database versions not stated): gnomAD exomes below 0.00001.
gnomAD v4.1: 2 of 1,613,772 alleles (0.00012%); highest among the groups gnomAD compares: Non-Finnish European, 0.00017%; no homozygotes.

Submissions (3):

GeneDx
Classification: Pathogenic. Last evaluated: 2026-09-25. Review status: criteria provided, single submitter. Criteria: GeneDx Variant Classification Process June 2021. Collection method: clinical testing. Allele origin: germline.
Comment: Observed in an individual in the published literature with isolated solitary median maxillary central incisor who inherited the variant from an apparently asymptomatic parent (PMID: 27363716); Nonsense variant predicted to result in protein truncation or nonsense mediated decay in a gene for which loss of function is a known mechanism of disease; Not observed at significant frequency in large population cohorts (gnomAD); This variant is associated with the following publications: (PMID: 27363716)

Juno Genomics, Hangzhou Juno Genomics, Inc
Classification: Pathogenic for Postaxial polydactyly-anterior pituitary anomalies-facial dysmorphism syndrome; Holoprosencephaly 9. Review status: criteria provided, single submitter. Criteria: ACMG Guidelines, 2015. Collection method: clinical testing. Allele origin: germline. Affected: yes.
Comment: Absent from controls (or at extremely low frequency if recessive) in Genome Aggregation Database, Exome Sequencing Project, 1000 Genomes Project, or Exome Aggregation Consortium.;Null variant in a gene where loss of function (LOF) is a known mechanism of disease.;The prevalence of the variant in affected individuals is significantly increased compared to the prevalence in controls.

Laboratory of Molecular Genetics, CHU Rennes
Classification: Likely pathogenic for microform holoprosencephaly. Last evaluated: 2016-04-13. Review status: no assertion criteria provided. Collection method: clinical testing. Allele origin: paternal. Affected: yes. Not counted in ClinVar's aggregate classification.